The following is an entry in ClinVar:

ClinVar aggregate classification (germline): Conflicting classifications of pathogenicity. Review status: criteria provided, conflicting classifications (1 of 4 stars). 2 submissions from 2 submitters: Pathogenic (1); Uncertain significance (1). Last evaluated 2025-01-27.

Conditions:
Costello syndrome (CSTLO). Also called: FCS SYNDROME; HRAS-Related Costello Syndrome; FACIOCUTANEOSKELETAL SYNDROME. Identifiers: Orphanet 3071, MedGen C0587248, MONDO:0009026, OMIM 218040.

Allele frequency attached by ClinVar (database versions not stated): gnomAD exomes below 0.00001; TOPMed below 0.00001.
gnomAD v4.1: 1 of 1,613,742 alleles (0.000062%); highest among the groups gnomAD compares: African/African-American, 0.0013%; no homozygotes.

Submissions (2):

Labcorp Genetics (formerly Invitae), Labcorp
Classification: Uncertain significance for Costello syndrome. Last evaluated: 2025-01-27. Review status: criteria provided, single submitter. Criteria: Invitae Variant Classification Sherloc (09022015). Collection method: clinical testing. Allele origin: germline.
Comment: This sequence change replaces alanine, which is neutral and non-polar, with proline, which is neutral and non-polar, at codon 130 of the HRAS protein (p.Ala130Pro). This variant is not present in population databases (gnomAD no frequency). This variant has not been reported in the literature in individuals affected with HRAS-related conditions. ClinVar contains an entry for this variant (Variation ID: 583295). Invitae Evidence Modeling incorporating data from in vitro experimental studies (internal data) indicates that this missense variant is not expected to disrupt HRAS function with a negative predictive value of 95%. In summary, the available evidence is currently insufficient to determine the role of this variant in disease. Therefore, it has been classified as a Variant of Uncertain Significance.

Genesolutions, Medical Genetics Institutes, Ho Chi Minh City, Vietnam
Classification: Pathogenic for Costello syndrome. Last evaluated: 2022-06-22. Review status: criteria provided, single submitter. Criteria: ACMG Guidelines, 2015. Collection method: clinical testing. Allele origin: de novo. Affected: yes. Observed: 1 variant allele.

NM_005343.4(HRAS):c.388G>C (p.Ala130Pro)

Genes: HRAS (HRas proto-oncogene, GTPase; minus strand), LRRC56 (leucine rich repeat containing 56; plus strand). Cytogenetic location: 11p15.5.
Variant type: single nucleotide variant.
Coding change: c.388G>C on transcript NM_005343.4 (MANE Select); coding-DNA position 388, G replaced by C.
Protein change: p.Ala130Pro; replaces alanine 130 with proline.
Molecular consequence: missense variant.
Genome position (GRCh38, 1-based): chr11:533,515, C>G on the plus strand (G>C on the coding strand, the complement: HRAS is on the minus strand). VCF-style: chr11-533515-C-G. GRCh37 (hg19) VCF-style: chr11-533515-C-G.
Other names: c.388G>C, p.Ala130Pro (NM_001130442.3, NM_176795.5); c.69G>C, p.Arg23Ser (NM_001318054.2); short protein forms A130P, R23S.
Identifiers: ClinVar variation 583295 (VCV000583295.11), dbSNP rs1564788957, ClinGen allele CA378923024.
Genomic context (GRCh38, chr11:533,515, plus strand): 5'-GCCGGGTCTTGGCCGAGGTCTCGATGTAGGGGATGCCGTAGCTTCGGGCGAGGTCCTGAG[C>G]CTGCCGAGATTCCACAGTGCGTGCAGCCAGGTCACACTTGTTCCCCACCAGCACCATGGG-3'
Protein context (NP_005334.1, residues 120-140): LAARTVESRQ[Ala130Pro]QDLARSYGIP